The following is an entry in ClinVar:

ClinVar aggregate classification (germline): Uncertain significance (1 of 4 stars; one submission).

Conditions:
Aortic aneurysm, familial thoracic 7 (AAT7). Also called: AORTIC DISSECTION, FAMILIAL, WITH OR WITHOUT AORTIC ANEURYSM. Identifiers: MedGen C3151077, MONDO:0013418, OMIM 613780.

Allele frequency attached by ClinVar (database versions not stated): gnomAD exomes below 0.00001.
gnomAD v4.1: 1 of 1,613,076 alleles (0.000062%); highest among the groups gnomAD compares: Non-Finnish European, 0.000085%; no homozygotes.

Submission:

Labcorp Genetics (formerly Invitae), Labcorp
Classification: Uncertain significance for Aortic aneurysm, familial thoracic 7. Last evaluated: 2023-10-27. Review status: criteria provided, single submitter. Criteria: Invitae Variant Classification Sherloc (09022015). Collection method: clinical testing. Allele origin: germline.
Comment: This sequence change replaces asparagine, which is neutral and polar, with serine, which is neutral and polar, at codon 1016 of the MYLK protein (p.Asn1016Ser). This variant is not present in population databases (gnomAD no frequency). This variant has not been reported in the literature in individuals affected with MYLK-related conditions. Advanced modeling of protein sequence and biophysical properties (such as structural, functional, and spatial information, amino acid conservation, physicochemical variation, residue mobility, and thermodynamic stability) performed at Invitae indicates that this missense variant is not expected to disrupt MYLK protein function with a negative predictive value of 80%. In summary, the available evidence is currently insufficient to determine the role of this variant in disease. Therefore, it has been classified as a Variant of Uncertain Significance.

NM_053025.4(MYLK):c.3047A>G (p.Asn1016Ser)

Gene: MYLK (myosin light chain kinase; minus strand). Cytogenetic location: 3q21.1.
Variant type: single nucleotide variant.
Coding change: c.3047A>G on transcript NM_053025.4 (MANE Select); coding-DNA position 3047, A replaced by G.
Protein change: p.Asn1016Ser; replaces asparagine 1016 with serine.
Molecular consequence: missense variant.
Genome position (GRCh38, 1-based): chr3:123,700,421, T>C on the plus strand (A>G on the coding strand, the complement: MYLK is on the minus strand). VCF-style: chr3-123700421-T-C. GRCh37 (hg19) VCF-style: chr3-123419268-T-C.
Other names: c.2519A>G, p.Asn840Ser (NM_001321309.2); c.2840A>G, p.Asn947Ser (NM_053026.4, NM_053028.4); c.3047A>G, p.Asn1016Ser (NM_053027.4); short protein forms N840S, N947S, N1016S.
Identifiers: ClinVar variation 2807595 (VCV002807595.3), dbSNP rs2474173978, ClinGen allele CA354230172.